The following is an entry in ClinVar:

ClinVar aggregate classification (germline): Conflicting classifications of pathogenicity. Review status: criteria provided, conflicting classifications (1 of 4 stars). 4 submissions from 4 submitters: Uncertain significance (1); Likely benign (2). 1 of the submissions does not count toward it. Last evaluated 2025-12-24.

Conditions:
KIF7-related disorder. Also called: KIF7-related condition.
Acrocallosal syndrome (ACLS). Also called: Schinzel syndrome 1; Absence of corpus callosum with unusual facial appearance, mental deficiency, duplication of the halluces and polydactyly; HALLUX DUPLICATION, POSTAXIAL POLYDACTYLY, AND ABSENCE OF CORPUS CALLOSUM. Identifiers: Orphanet 36, MedGen C0796147, MONDO:0008708, OMIM 200990.

Allele frequency attached by ClinVar (database versions not stated): ESP Exome Variant Server 0.00023; TOPMed 0.00024; gnomAD exomes 0.00007 and 0.00010; ExAC 0.00010; gnomAD 0.00019 and 0.00021.
gnomAD v4.1: 140 of 1,606,992 alleles (0.0087%); highest among the groups gnomAD compares: African/African-American, 0.048%; no homozygotes.

Submissions (4):

Labcorp Genetics (formerly Invitae), Labcorp
Classification: Likely benign for Acrocallosal syndrome. Last evaluated: 2025-12-24. Review status: criteria provided, single submitter. Criteria: Invitae Variant Classification Sherloc (09022015). Collection method: clinical testing. Allele origin: germline.

Blueprint Genetics
Classification: Likely benign. Last evaluated: 2022-08-26. Review status: criteria provided, single submitter. Criteria: ACMG Guidelines, 2015. Collection method: clinical testing. Allele origin: germline.

Eurofins Ntd Llc (ga)
Classification: Uncertain significance. Last evaluated: 2015-01-17. Review status: criteria provided, single submitter. Criteria: EGL Classification Definitions 2015. Collection method: clinical testing. Allele origin: germline. Observed: 2 variant alleles, 2 heterozygotes.

PreventionGenetics, part of Exact Sciences
Classification: Likely benign for KIF7-related condition. Last evaluated: 2024-05-05. Review status: no assertion criteria provided. Collection method: clinical testing. Allele origin: germline. Not counted in ClinVar's aggregate classification.
Comment: This variant is classified as likely benign based on ACMG/AMP sequence variant interpretation guidelines (Richards et al. 2015 PMID: 25741868, with internal and published modifications).

NM_198525.3(KIF7):c.2586C>T (p.Arg862=)

Gene: KIF7 (kinesin family member 7; minus strand). Cytogenetic location: 15q26.1.
Variant type: single nucleotide variant.
Coding change: c.2586C>T on transcript NM_198525.3 (MANE Select); coding-DNA position 2586, C replaced by T.
Protein change: p.Arg862=; no amino-acid change (arginine 862 retained).
Molecular consequence: synonymous variant.
Genome position (GRCh38, 1-based): chr15:89,633,692, G>A on the plus strand (C>T on the coding strand, the complement: KIF7 is on the minus strand). VCF-style: chr15-89633692-G-A. GRCh37 (hg19) VCF-style: chr15-90176923-G-A.
Identifiers: ClinVar variation 194139 (VCV000194139.17), dbSNP rs141097070, ClinGen allele CA020278.